The following is an entry in ClinVar:

NM_001010892.3(RSPH4A):c.144G>A (p.Gly48=)

Genes: RSPH4A (radial spoke head component 4A; plus strand), LOC129997052 (ATAC-STARR-seq lymphoblastoid active region 24998; plus strand). Cytogenetic location: 6q22.1.
Variant type: single nucleotide variant.
Coding change: c.144G>A on transcript NM_001010892.3 (MANE Select); coding-DNA position 144, G replaced by A.
Protein change: p.Gly48=; no amino-acid change (glycine 48 retained).
Molecular consequence: synonymous variant.
Genome position (GRCh38, 1-based): chr6:116,616,767, G>A. VCF-style: chr6-116616767-G-A. GRCh37 (hg19) VCF-style: chr6-116937930-G-A.
Other names: c.144G>A, p.Gly48= (NM_001161664.2).
Identifiers: ClinVar variation 93465 (VCV000093465.30), dbSNP rs112350099, ClinGen allele CA146988.

ClinVar aggregate classification (germline): Benign/Likely benign. Review status: criteria provided, multiple submitters, no conflicts (2 of 4 stars). 8 submissions from 8 submitters: Benign (4); Likely benign (3). 1 of the submissions does not count toward it. Last evaluated 2025-12-26.

Conditions:
Primary ciliary dyskinesia. Also called: Ciliary dyskinesia. Identifiers: Orphanet 244, MedGen C0008780, MONDO:0016575, HP:0012265.
RSPH4A-related disorder. Also called: RSPH4A-related condition.
Primary ciliary dyskinesia 11. Also called: CILIARY DYSKINESIA, PRIMARY, 11, WITHOUT SITUS INVERSUS. Identifiers: Orphanet 244, MedGen C2675229, MONDO:0012978, OMIM 612649.

Allele frequency attached by ClinVar (database versions not stated): gnomAD exomes 0.00091; ExAC 0.00127; 1000 Genomes Project 0.00260; 1000 Genomes Project 30x 0.00265; ESP Exome Variant Server 0.00331; gnomAD 0.00332 and 0.00359; TOPMed 0.00414.
gnomAD v4.1: 1,023 of 1,614,152 alleles (0.063%); highest among the groups gnomAD compares: African/African-American, 1.2%; 8 homozygotes.

Submissions (8):

Labcorp Genetics (formerly Invitae), Labcorp
Classification: Benign for Primary ciliary dyskinesia. Last evaluated: 2025-12-26. Review status: criteria provided, single submitter. Criteria: Invitae Variant Classification Sherloc (09022015). Collection method: clinical testing. Allele origin: germline.

Blueprint Genetics
Classification: Likely benign. Last evaluated: 2024-10-22. Review status: criteria provided, single submitter. Criteria: ACMG Guidelines, 2015. Collection method: clinical testing. Allele origin: germline.

Illumina Laboratory Services, Illumina
Classification: Likely benign for Primary ciliary dyskinesia 11. Last evaluated: 2018-01-12. Review status: criteria provided, single submitter. Criteria: ICSL Variant Classification Criteria 13 December 2019. Collection method: clinical testing. Allele origin: germline.
Comment: This variant was observed in the ICSL laboratory as part of a predisposition screen in an ostensibly healthy population. It had not been previously curated by ICSL or reported in the Human Gene Mutation Database (HGMD: prior to June 1st, 2018), and was therefore a candidate for classification through an automated scoring system. Utilizing variant allele frequency, disease prevalence and penetrance estimates, and inheritance mode, an automated score was calculated to assess if this variant is too frequent to cause the disease. Based on the score and internal cut-off values, a variant classified as likely benign is not then subjected to further curation. The score for this variant resulted in a classification of likely benign for this disease.

Ambry Genetics
Classification: Benign for Primary ciliary dyskinesia. Last evaluated: 2015-08-06. Review status: criteria provided, single submitter. Criteria: Ambry Variant Classification Scheme 2023. Collection method: clinical testing. Allele origin: germline.

Eurofins Ntd Llc (ga)
Classification: Benign. Last evaluated: 2013-04-26. Review status: criteria provided, single submitter. Criteria: EGL Classification Definitions 2015. Collection method: clinical testing. Allele origin: germline. Observed: 1 variant allele, 1 heterozygote.

Laboratory for Molecular Medicine, Mass General Brigham Personalized Medicine
Classification: Benign. Last evaluated: 2013-02-21. Review status: criteria provided, single submitter. Criteria: LMM Criteria. Collection method: clinical testing. Allele origin: germline. Observed: 2 variant alleles.
Comment: Gly48Gly in exon 1 of RSPH4A: This variant is not expected to have clinical sign ificance because it does not alter an amino acid residue and is not located with in the splice consensus sequence. It has been identified in 1.0% (43/4406) of Af rican American chromosomes from a broad population by the NHLBI Exome Sequencing Project (dbSNP rs112350099).

Breakthrough Genomics
Classification: Likely benign. Review status: criteria provided, single submitter. Criteria: ACMG Guidelines, 2015. Collection method: not provided. Allele origin: germline. Inheritance: Autosomal recessive inheritance. Affected: yes.

PreventionGenetics, part of Exact Sciences
Classification: Benign for RSPH4A-related condition. Last evaluated: 2023-12-05. Review status: no assertion criteria provided. Collection method: clinical testing. Allele origin: germline. Not counted in ClinVar's aggregate classification.
Comment: This variant is classified as benign based on ACMG/AMP sequence variant interpretation guidelines (Richards et al. 2015 PMID: 25741868, with internal and published modifications).